The following is an entry in ClinVar:

NM_006231.4(POLE):c.5645A>C (p.Asp1882Ala)

Gene: POLE (DNA polymerase epsilon, catalytic subunit; minus strand). Cytogenetic location: 12q24.33.
Variant type: single nucleotide variant.
Coding change: c.5645A>C on transcript NM_006231.4 (MANE Select); coding-DNA position 5645, A replaced by C.
Protein change: p.Asp1882Ala; replaces aspartic acid 1882 with alanine.
Molecular consequence: missense variant.
Genome position (GRCh38, 1-based): chr12:132,638,047, T>G on the plus strand (A>C on the coding strand, the complement: POLE is on the minus strand). VCF-style: chr12-132638047-T-G. GRCh37 (hg19) VCF-style: chr12-133214633-T-G.
Other names: short protein forms D1882A.
Identifiers: ClinVar variation 993147 (VCV000993147.9), dbSNP rs2042069172, ClinGen allele CA387374004.

ClinVar aggregate classification (germline): Uncertain significance. Review status: criteria provided, multiple submitters, no conflicts (2 of 4 stars). 3 submissions from 3 submitters: Uncertain significance (3). Last evaluated 2021-08-12.

Conditions:
Hereditary cancer-predisposing syndrome. Also called: Neoplastic Syndromes, Hereditary; Hereditary Cancer Syndrome; Tumor predisposition; Hereditary neoplastic syndrome. Identifiers: Orphanet 140162, MedGen C0027672, MeSH D009386, MONDO:0015356.

Allele frequency attached by ClinVar (database versions not stated): TOPMed below 0.00001.

Submissions (3):

Labcorp Genetics (formerly Invitae), Labcorp
Classification: Uncertain significance. Last evaluated: 2021-08-12. Review status: criteria provided, single submitter. Criteria: Invitae Variant Classification Sherloc (09022015). Collection method: clinical testing. Allele origin: germline.
Comment: In summary, the available evidence is currently insufficient to determine the role of this variant in disease. Therefore, it has been classified as a Variant of Uncertain Significance. Algorithms developed to predict the effect of missense changes on protein structure and function (SIFT, PolyPhen-2, Align-GVGD) all suggest that this variant is likely to be disruptive. ClinVar contains an entry for this variant (Variation ID: 993147). This variant has not been reported in the literature in individuals affected with POLE-related conditions. This variant is not present in population databases (ExAC no frequency). This sequence change replaces aspartic acid with alanine at codon 1882 of the POLE protein (p.Asp1882Ala). The aspartic acid residue is highly conserved and there is a moderate physicochemical difference between aspartic acid and alanine.

Ambry Genetics
Classification: Uncertain significance for Hereditary cancer-predisposing syndrome. Last evaluated: 2021-06-25. Review status: criteria provided, single submitter. Criteria: Ambry Variant Classification Scheme 2023. Collection method: clinical testing. Allele origin: germline.
Comment: The p.D1882A variant (also known as c.5645A>C), located in coding exon 41 of the POLE gene, results from an A to C substitution at nucleotide position 5645. The aspartic acid at codon 1882 is replaced by alanine, an amino acid with dissimilar properties. This amino acid position is conserved. In addition, the in silico prediction for this alteration is inconclusive. Since supporting evidence is limited at this time, the clinical significance of this alteration remains unclear.

Quest Diagnostics Nichols Institute San Juan Capistrano
Classification: Uncertain significance. Last evaluated: 2019-10-29. Review status: criteria provided, single submitter. Criteria: Quest Diagnostics criteria. Collection method: clinical testing. Allele origin: unknown.